The following is an entry in ClinVar:

ClinVar aggregate classification (germline): Pathogenic. Review status: criteria provided, multiple submitters, no conflicts (2 of 4 stars). 5 submissions from 5 submitters: Pathogenic (5). Last evaluated 2025-02-06.

Conditions:
Joubert syndrome 21 (JBTS21). Identifiers: MedGen C3810212, MONDO:0014288, OMIM 615636.
Inborn genetic diseases. Identifiers: MedGen C0950123, MeSH D030342.

Allele frequency attached by ClinVar (database versions not stated): ExAC 0.00001; gnomAD exomes 0.00002; TOPMed 0.00003; gnomAD 0.00004.

Submissions (5):

Ambry Genetics
Classification: Pathogenic for Inborn genetic diseases. Last evaluated: 2025-02-06. Review status: criteria provided, single submitter. Criteria: Ambry Variant Classification Scheme 2023. Collection method: clinical testing. Allele origin: germline.
Comment: The c.240dupT (p.K81*) alteration, located in exon 3 (coding exon 3) of the CSPP1 gene, consists of a duplication of T at position 240, causing a translational frameshift with a predicted alternate stop codon after amino acids. This alteration is expected to result in loss of function by premature protein truncation or nonsense-mediated mRNA decay. Based on data from gnomAD, the TT allele has an overall frequency of 0.002% (6/268306) total alleles studied. The highest observed frequency was 0.004% (1/27916) of South Asian alleles. Based on the available evidence, this alteration is classified as pathogenic.

GeneDx
Classification: Pathogenic. Last evaluated: 2024-09-25. Review status: criteria provided, single submitter. Criteria: GeneDx Variant Classification Process June 2021. Collection method: clinical testing. Allele origin: germline. Affected: yes.
Comment: Reported previously in an unaffected carrier; however, no further information was provided (PMID: 31964843); Nonsense variant predicted to result in protein truncation or nonsense mediated decay in a gene for which loss of function is a known mechanism of disease; Not observed at significant frequency in large population cohorts (gnomAD); This variant is associated with the following publications: (PMID: 31964843)

Labcorp Genetics (formerly Invitae), Labcorp
Classification: Pathogenic for Joubert syndrome 21. Last evaluated: 2024-08-14. Review status: criteria provided, single submitter. Criteria: Invitae Variant Classification Sherloc (09022015). Collection method: clinical testing. Allele origin: germline.
Comment: This sequence change creates a premature translational stop signal (p.Lys81*) in the CSPP1 gene. It is expected to result in an absent or disrupted protein product. Loss-of-function variants in CSPP1 are known to be pathogenic (PMID: 24360807, 24360808). This variant is present in population databases (rs770296270, gnomAD 0.004%). This variant has not been reported in the literature in individuals affected with CSPP1-related conditions. ClinVar contains an entry for this variant (Variation ID: 1030873). For these reasons, this variant has been classified as Pathogenic.

Daryl Scott Lab, Baylor College of Medicine
Classification: Pathogenic for Joubert syndrome 21. Last evaluated: 2024-01-01. Review status: criteria provided, single submitter. Criteria: ACMG Guidelines, 2015. Collection method: clinical testing. Allele origin: maternal. Observed: 1 heterozygote.
Comment: PVS1, PM2

Baylor Genetics
Classification: Pathogenic for Joubert syndrome 21. Last evaluated: 2020-05-21. Review status: criteria provided, single submitter. Criteria: ACMG Guidelines, 2015. Collection method: clinical testing. Allele origin: maternal. Affected: yes.
Comment: This variant was determined to be pathogenic according to ACMG Guidelines, 2015 [PMID:25741868].

Literature cited by the submitters: PubMed 24360807 (cited by Labcorp Genetics (formerly Invitae), Labcorp); PubMed 24360808 (cited by Labcorp Genetics (formerly Invitae), Labcorp).

NM_001382391.1(CSPP1):c.132dup (p.Lys45Ter)

Gene: CSPP1 (centrosome and spindle pole associated protein 1; plus strand). Cytogenetic location: 8q13.1.
Variant type: Duplication.
Coding change: c.132dup on transcript NM_001382391.1 (MANE Select); coding-DNA position 132, one base duplicated (T; older notation c.132dupT).
Protein change: p.Lys45Ter; replaces lysine 45 with a stop codon.
Molecular consequence: nonsense. On other transcripts: frameshift variant (1).
Genome position (GRCh38, 1-based): chr8:67,076,514, T duplicated. VCF-style (leftmost placement, unchanged base first): chr8-67076513-G-GT. GRCh37 (hg19) VCF-style: chr8-67988748-G-GT.
Other names: c.240dupT (NM_024790.6); c.132dup, p.Lys45Ter (NM_001363131.2, NM_001363132.2, NM_001363133.2); c.240dup, p.Lys81Ter (NM_001364869.1, NM_001364870.1); c.240dup, p.Lys81Terfs (NM_024790.7); short protein forms K81*, K45*.
Identifiers: ClinVar variation 1030873 (VCV001030873.10), dbSNP rs770296270, ClinGen allele CA4770146.
Genomic context (GRCh38, chr8:67,076,513, plus strand): 5'-TGCTTTTGTAAACATTATGTCTCTTTCAGGGAAAGTTGTCAGCGAAGCTTTCTGAAAACA[G>GT]TAAGATACTGATCTCTATGGCTAAGGAAAACATACCACCAAATAGTCAACAGACCAGGGG-3'